The following is an entry in ClinVar:

ClinVar aggregate classification (germline): Pathogenic (1 of 4 stars; one submission).

Allele frequency attached by ClinVar (database versions not stated): gnomAD exomes below 0.00001.
gnomAD v4.1: 1 of 1,613,984 alleles (0.000062%); highest among the groups gnomAD compares: Non-Finnish European, 0.000085%; no homozygotes.

Submission:

Labcorp Genetics (formerly Invitae), Labcorp
Classification: Pathogenic. Last evaluated: 2022-06-13. Review status: criteria provided, single submitter. Criteria: Invitae Variant Classification Sherloc (09022015). Collection method: clinical testing. Allele origin: germline.
Comment: For these reasons, this variant has been classified as Pathogenic. This variant has not been reported in the literature in individuals affected with ELOVL4-related conditions. This variant is not present in population databases (gnomAD no frequency). This sequence change creates a premature translational stop signal (p.Trp129*) in the ELOVL4 gene. It is expected to result in an absent or disrupted protein product. Loss-of-function variants in ELOVL4 are known to be pathogenic (PMID: 24571530).

Literature cited by the submitters: PubMed 24571530.

NM_022726.4(ELOVL4):c.387G>A (p.Trp129Ter)

Gene: ELOVL4 (ELOVL fatty acid elongase 4; minus strand). Cytogenetic location: 6q14.1.
Variant type: single nucleotide variant.
Coding change: c.387G>A on transcript NM_022726.4 (MANE Select); coding-DNA position 387, G replaced by A.
Protein change: p.Trp129Ter; replaces tryptophan 129 with a stop codon.
Molecular consequence: nonsense.
Genome position (GRCh38, 1-based): chr6:79,921,779, C>T on the plus strand (G>A on the coding strand, the complement: ELOVL4 is on the minus strand). VCF-style: chr6-79921779-C-T. GRCh37 (hg19) VCF-style: chr6-80631496-C-T.
Other names: short protein forms W129*.
Identifiers: ClinVar variation 1451876 (VCV001451876.6), dbSNP rs2127698531, ClinGen allele CA364656788.
Genomic context (GRCh38, chr6:79,921,779, plus strand): 5'-CTTTCTCAGAATAAAAAACACTGTGTCCAAATACTCAACTCCTTTAGATACAAAGTACCA[C>T]CACAGAGCAGCAGCTATCTGTAAAAAGGGAAAGCGTGTTATAAACACCAAAATGACACTA-3'